The following is an entry in ClinVar:

NM_003482.4(KMT2D):c.393A>T (p.Glu131Asp)

Gene: KMT2D (lysine methyltransferase 2D; minus strand). Cytogenetic location: 12q13.12.
Variant type: single nucleotide variant.
Coding change: c.393A>T on transcript NM_003482.4 (MANE Select); coding-DNA position 393, A replaced by T.
Protein change: p.Glu131Asp; replaces glutamic acid 131 with aspartic acid.
Molecular consequence: missense variant.
Genome position (GRCh38, 1-based): chr12:49,054,535, T>A on the plus strand (A>T on the coding strand, the complement: KMT2D is on the minus strand). VCF-style: chr12-49054535-T-A. GRCh37 (hg19) VCF-style: chr12-49448318-T-A.
Other names: short protein forms E131D.
Identifiers: ClinVar variation 1493427 (VCV001493427.8), dbSNP rs2120710471, ClinGen allele CA384687776.

ClinVar aggregate classification (germline): Uncertain significance (1 of 4 stars; one submission).

Conditions:
Kabuki syndrome. Also called: Kabuki make-up syndrome; NIIKAWA-KUROKI SYNDROME. Identifiers: Orphanet 2322, MedGen C0796004, MONDO:0016512.

Submission:

Labcorp Genetics (formerly Invitae), Labcorp
Classification: Uncertain significance for Kabuki syndrome. Last evaluated: 2022-07-19. Review status: criteria provided, single submitter. Criteria: Invitae Variant Classification Sherloc (09022015). Collection method: clinical testing. Allele origin: germline.
Comment: In summary, the available evidence is currently insufficient to determine the role of this variant in disease. Therefore, it has been classified as a Variant of Uncertain Significance. Advanced modeling of protein sequence and biophysical properties (such as structural, functional, and spatial information, amino acid conservation, physicochemical variation, residue mobility, and thermodynamic stability) performed at Invitae indicates that this missense variant is not expected to disrupt KMT2D protein function. ClinVar contains an entry for this variant (Variation ID: 1493427). This variant has not been reported in the literature in individuals affected with KMT2D-related conditions. This variant is not present in population databases (gnomAD no frequency). This sequence change replaces glutamic acid, which is acidic and polar, with aspartic acid, which is acidic and polar, at codon 131 of the KMT2D protein (p.Glu131Asp).